The following is an entry in ClinVar:

ClinVar aggregate classification (germline): Uncertain significance (1 of 4 stars; one submission).

gnomAD v4.1: 4 of 1,613,654 alleles (0.00025%); highest among the groups gnomAD compares: Non-Finnish European, 0.00034%; no homozygotes.

Submission:

Labcorp Genetics (formerly Invitae), Labcorp
Classification: Uncertain significance. Last evaluated: 2025-10-20. Review status: criteria provided, single submitter. Criteria: Invitae Variant Classification Sherloc (09022015). Collection method: clinical testing. Allele origin: germline.
Comment: This sequence change replaces valine, which is neutral and non-polar, with alanine, which is neutral and non-polar, at codon 514 of the TRPM1 protein (p.Val514Ala). This variant is present in population databases (no rsID available, gnomAD 0.0009%). This variant has not been reported in the literature in individuals affected with TRPM1-related conditions. Invitae Evidence Modeling of protein sequence and biophysical properties (such as structural, functional, and spatial information, amino acid conservation, physicochemical variation, residue mobility, and thermodynamic stability) indicates that this missense variant is not expected to disrupt TRPM1 protein function with a negative predictive value of 95%. In summary, the available evidence is currently insufficient to determine the role of this variant in disease. Therefore, it has been classified as a Variant of Uncertain Significance.

NM_001252024.2(TRPM1):c.1607T>C (p.Val536Ala)

Gene: TRPM1 (transient receptor potential cation channel subfamily M member 1; minus strand). Cytogenetic location: 15q13.3.
Variant type: single nucleotide variant.
Coding change: c.1607T>C on transcript NM_001252024.2 (MANE Select); coding-DNA position 1607, T replaced by C.
Protein change: p.Val536Ala; replaces valine 536 with alanine.
Molecular consequence: missense variant.
Genome position (GRCh38, 1-based): chr15:31,047,905, A>G on the plus strand (T>C on the coding strand, the complement: TRPM1 is on the minus strand). VCF-style: chr15-31047905-A-G. GRCh37 (hg19) VCF-style: chr15-31340108-A-G.
Other names: c.1658T>C, p.Val553Ala (NM_001252020.2); c.1541T>C, p.Val514Ala (NM_002420.6); short protein forms V514A, V536A, V553A.
Identifiers: ClinVar variation 4744079 (VCV004744079.1).